The following is an entry in ClinVar:

NM_001101426.4(CRPPA):c.*2566A>G

Gene: CRPPA (CDP-L-ribitol pyrophosphorylase A; minus strand). Cytogenetic location: 7p21.2.
Variant type: single nucleotide variant.
Coding change: c.*2566A>G on transcript NM_001101426.4 (MANE Select); 2566 bases downstream of the stop codon, A replaced by G.
Molecular consequence: 3 prime UTR variant. On other transcripts: non-coding transcript variant (1).
Genome position (GRCh38, 1-based): chr7:16,089,129, T>C on the plus strand (A>G on the coding strand, the complement: CRPPA is on the minus strand). VCF-style: chr7-16089129-T-C. GRCh37 (hg19) VCF-style: chr7-16128754-T-C.
Other names: c.*2566A>G (NM_001101417.4, NM_001368197.1).
Identifiers: ClinVar variation 359512 (VCV000359512.5), dbSNP rs76015838, ClinGen allele CA4169220.

ClinVar aggregate classification (germline): Benign (1 of 4 stars; one submission).

Conditions:
Congenital Muscular Dystrophy, alpha-dystroglycan related.

Allele frequency attached by ClinVar (database versions not stated): gnomAD 0.03479 and 0.03833; TOPMed 0.04211; gnomAD exomes 0.04778 and 0.06249; 1000 Genomes Project 30x 0.09088; 1000 Genomes Project 0.09784; ExAC 0.19792.
gnomAD v4.1: 10,297 of 246,932 alleles (4.2%); highest among the groups gnomAD compares: East Asian, 30%; 757 homozygotes.

Submission:

Illumina Laboratory Services, Illumina
Classification: Benign for Congenital Muscular Dystrophy, alpha-dystroglycan related. Last evaluated: 2018-01-12. Review status: criteria provided, single submitter. Criteria: ICSL Variant Classification Criteria 13 December 2019. Collection method: clinical testing. Allele origin: germline.
Comment: This variant was observed in the ICSL laboratory as part of a predisposition screen in an ostensibly healthy population. It had not been previously curated by ICSL or reported in the Human Gene Mutation Database (HGMD: prior to June 1st, 2018), and was therefore a candidate for classification through an automated scoring system. Utilizing variant allele frequency, disease prevalence and penetrance estimates, and inheritance mode, an automated score was calculated to assess if this variant is too frequent to cause the disease. Based on the score and internal cut-off values, a variant classified as benign is not then subjected to further curation. The score for this variant resulted in a classification of benign for this disease.